The following is an entry in ClinVar:

ClinVar aggregate classification (germline): Pathogenic (1 of 4 stars; one submission).

Conditions:
Hereditary cancer-predisposing syndrome. Also called: Tumor predisposition; Neoplastic Syndromes, Hereditary; Hereditary Cancer Syndrome; Hereditary neoplastic syndrome. Identifiers: Orphanet 140162, MedGen C0027672, MeSH D009386, MONDO:0015356.

Submission:

Labcorp Genetics (formerly Invitae), Labcorp
Classification: Pathogenic for Hereditary cancer-predisposing syndrome. Last evaluated: 2022-05-30. Review status: criteria provided, single submitter. Criteria: Invitae Variant Classification Sherloc (09022015). Collection method: clinical testing. Allele origin: germline.
Comment: This sequence change creates a premature translational stop signal (p.Ile474Serfs*3) in the RAD50 gene. It is expected to result in an absent or disrupted protein product. Loss-of-function variants in RAD50 are known to be pathogenic (PMID: 19409520). This variant is not present in population databases (gnomAD no frequency). This variant has not been reported in the literature in individuals affected with RAD50-related conditions. ClinVar contains an entry for this variant (Variation ID: 1452036). For these reasons, this variant has been classified as Pathogenic.

Literature cited by the submitters: PubMed 19409520.

NM_005732.4(RAD50):c.1421_1439del (p.Ile474fs)

Gene: RAD50 (RAD50 double strand break repair protein; plus strand). Cytogenetic location: 5q31.1.
Variant type: Deletion.
Coding change: c.1421_1439del on transcript NM_005732.4 (MANE Select); coding-DNA positions 1421 to 1439, 19 bases deleted (TTCTTGAACTGGACCAGGA).
Protein change: p.Ile474fs; shifts the reading frame from isoleucine 474.
Molecular consequence: frameshift variant.
Genome position (GRCh38, 1-based): chr5:132,589,806-132,589,824, TTCTTGAACTGGACCAGGA deleted; deleting any 19 consecutive bases within chr5:132,589,801-132,589,824 gives the same sequence; the c. name uses the placement nearest the transcript's 3' end. VCF-style (leftmost placement, unchanged base first): chr5-132589800-ACAGGATTCTTGAACTGGAC-A. GRCh37 (hg19) VCF-style: chr5-131925492-ACAGGATTCTTGAACTGGAC-A.
Other names: short protein forms I474fs.
Identifiers: ClinVar variation 1452036 (VCV001452036.6), dbSNP rs2149841568, ClinGen allele CA2573138975.
Genomic context (GRCh38, chr5:132,589,800, plus strand): 5'-AGAAGCAGAATGAGCTGAAAAATGTGAAGTATGAATTACAGCAGTTGGAAGGATCTTCAG[ACAGGATTCTTGAACTGGAC>A]CAGGAGCTCATAAAAGCTGTAAGATATTGTTTGAATAATCTAATAATTTTAAGATATAAT-3'